The following is an entry in ClinVar:

ClinVar aggregate classification (germline): Uncertain significance (1 of 4 stars; one submission).

Conditions:
Duchenne muscular dystrophy (DMD). Also called: MUSCULAR DYSTROPHY, PSEUDOHYPERTROPHIC PROGRESSIVE, DUCHENNE TYPE; Duchenne Muscular Dystrophy (DMD). Identifiers: Orphanet 98896, MedGen C0013264, MONDO:0010679, OMIM 310200.

Submission:

Labcorp Genetics (formerly Invitae), Labcorp
Classification: Uncertain significance for Duchenne muscular dystrophy. Last evaluated: 2023-12-02. Review status: criteria provided, single submitter. Criteria: Invitae Variant Classification Sherloc (09022015). Collection method: clinical testing. Allele origin: germline.
Comment: This sequence change replaces glutamine, which is neutral and polar, with arginine, which is basic and polar, at codon 1408 of the DMD protein (p.Gln1408Arg). This variant is not present in population databases (gnomAD no frequency). This variant has not been reported in the literature in individuals affected with DMD-related conditions. Advanced modeling of protein sequence and biophysical properties (such as structural, functional, and spatial information, amino acid conservation, physicochemical variation, residue mobility, and thermodynamic stability) performed at Invitae indicates that this missense variant is not expected to disrupt DMD protein function with a negative predictive value of 95%. In summary, the available evidence is currently insufficient to determine the role of this variant in disease. Therefore, it has been classified as a Variant of Uncertain Significance.

NM_004006.3(DMD):c.4223A>G (p.Gln1408Arg)

Gene: DMD (dystrophin; minus strand). Cytogenetic location: Xp21.1.
Variant type: single nucleotide variant.
Coding change: c.4223A>G on transcript NM_004006.3 (MANE Select); coding-DNA position 4223, A replaced by G.
Protein change: p.Gln1408Arg; replaces glutamine 1408 with arginine.
Molecular consequence: missense variant.
Genome position (GRCh38, 1-based): chrX:32,411,762, T>C on the plus strand (A>G on the coding strand, the complement: DMD is on the minus strand). VCF-style: chrX-32411762-T-C. GRCh37 (hg19) VCF-style: chrX-32429879-T-C.
Other names: c.4199A>G, p.Gln1400Arg (NM_000109.4); c.4211A>G, p.Gln1404Arg (NM_004009.3); c.3854A>G, p.Gln1285Arg (NM_004010.3); c.200A>G, p.Gln67Arg (NM_004011.4); c.191A>G, p.Gln64Arg (NM_004012.4); short protein forms Q64R, Q1400R, Q1404R, Q1285R, Q1408R, Q67R.
Identifiers: ClinVar variation 2847365 (VCV002847365.3), dbSNP rs2523597899, ClinGen allele CA412666009.